The following is an entry in ClinVar:

ClinVar aggregate classification (germline): Conflicting classifications of pathogenicity. Review status: criteria provided, conflicting classifications (1 of 4 stars). 6 submissions from 6 submitters: Uncertain significance (1); Benign (1); Likely benign (3). 1 of the submissions does not count toward it. Last evaluated 2025-12-24.

Conditions:
Exostoses, multiple, type 2 (EXT2). Also called: Hereditary Multiple Osteochondromatosis, Type II; EXOSTOSES, MULTIPLE, TYPE II. Identifiers: Orphanet 321, MedGen C1851413, MONDO:0007586, OMIM 133701.
EXT2-related disorder. Also called: EXT2-related condition.

Allele frequency attached by ClinVar (database versions not stated): gnomAD 0.00014; ESP Exome Variant Server 0.00015; TOPMed 0.00022; ExAC 0.00030; gnomAD exomes 0.00032.
gnomAD v4.1: 287 of 1,613,774 alleles (0.018%); highest among the groups gnomAD compares: Middle Eastern, 0.16%; 1 homozygote.

Submissions (6):

Dasa
Classification: Uncertain significance for Exostoses, multiple, type 2. Last evaluated: 2025-12-24. Review status: criteria provided, single submitter. Criteria: DASA Assertion Criteria. Collection method: clinical testing. Allele origin: germline.
Comment: NM_207122.2(EXT2):c.889C>T (p.Arg297Cys) is a missense variant that results in the substitution of arginine with cysteine. This variant is rare in population databases. Computational prediction algorithms are consistent with a deleterious effect. The currently available literature and clinical evidence are not sufficient to establish a definitive association between this variant and the reported condition. Therefore, this variant is classified as a variant of uncertain significance.

Labcorp Genetics (formerly Invitae), Labcorp
Classification: Likely benign for Exostoses, multiple, type 2. Last evaluated: 2025-12-03. Review status: criteria provided, single submitter. Criteria: Invitae Variant Classification Sherloc (09022015). Collection method: clinical testing. Allele origin: germline.

Blueprint Genetics
Classification: Likely benign. Last evaluated: 2024-11-08. Review status: criteria provided, single submitter. Criteria: ACMG Guidelines, 2015. Collection method: clinical testing. Allele origin: germline.

Illumina Laboratory Services, Illumina
Classification: Benign for Exostoses, multiple, type 2. Last evaluated: 2018-01-13. Review status: criteria provided, single submitter. Criteria: ICSL Variant Classification Criteria 13 December 2019. Collection method: clinical testing. Allele origin: germline.
Comment: This variant was observed in the ICSL laboratory as part of a predisposition screen in an ostensibly healthy population. It had not been previously curated by ICSL or reported in the Human Gene Mutation Database (HGMD: prior to June 1st, 2018), and was therefore a candidate for classification through an automated scoring system. Utilizing variant allele frequency, disease prevalence and penetrance estimates, and inheritance mode, an automated score was calculated to assess if this variant is too frequent to cause the disease. Based on the score and internal cut-off values, a variant classified as benign is not then subjected to further curation. The score for this variant resulted in a classification of benign for this disease.

Breakthrough Genomics
Classification: Likely benign. Review status: criteria provided, single submitter. Criteria: ACMG Guidelines, 2015. Collection method: not provided. Allele origin: germline. Inheritance: Autosomal recessive inheritance. Affected: yes.

PreventionGenetics, part of Exact Sciences
Classification: Uncertain significance for EXT2-related condition. Last evaluated: 2024-06-05. Review status: no assertion criteria provided. Collection method: clinical testing. Allele origin: germline. Not counted in ClinVar's aggregate classification.
Comment: The EXT2 c.889C>T variant is predicted to result in the amino acid substitution p.Arg297Cys. To our knowledge, this variant has not been reported in the literature. This variant is reported in 0.12% of alleles in individuals of Ashkenazi Jewish descent in gnomAD. A different variant affecting the same amino acid (p.Arg297His) was reported in one individual with multiple osteochondromas (Table 1, Ishimaru. 2016. PubMed ID: 26961984). In CalinVar, this variant is interpreted as benign or likely benign. Although we suspect that this variant may be benign, at this time, the clinical significance of this variant is uncertain due to the absence of conclusive functional and genetic evidence.

NM_207122.2(EXT2):c.889C>T (p.Arg297Cys)

Gene: EXT2 (exostosin glycosyltransferase 2; plus strand). Cytogenetic location: 11p11.2.
Variant type: single nucleotide variant.
Coding change: c.889C>T on transcript NM_207122.2 (MANE Select); coding-DNA position 889, C replaced by T.
Protein change: p.Arg297Cys; replaces arginine 297 with cysteine.
Molecular consequence: missense variant.
Genome position (GRCh38, 1-based): chr11:44,124,934, C>T. VCF-style: chr11-44124934-C-T. GRCh37 (hg19) VCF-style: chr11-44146484-C-T.
Other names: c.988C>T, p.Arg330Cys (NM_000401.3); c.889C>T, p.Arg297Cys (NM_001178083.3, NM_001389628.1, NM_001389630.1); short protein forms R330C, R297C.
Identifiers: ClinVar variation 877127 (VCV000877127.18), dbSNP rs146098187, ClinGen allele CA5955025.